The following is an entry in ClinVar:

ClinVar aggregate classification (germline): Conflicting classifications of pathogenicity. Review status: criteria provided, conflicting classifications (1 of 4 stars). 2 submissions from 1 submitter: Likely pathogenic (1); Uncertain significance (1). Last evaluated 2023-05-02.

Conditions:
Retinitis pigmentosa (RP). Identifiers: Orphanet 791, MedGen C0035334, MeSH D012174, MONDO:0019200, OMIM 268000. Inheritance: Autosomal dominant, autosomal recessive and X linked inheritance.
Retinitis pigmentosa 14 (RP14). Also called: RETINITIS PIGMENTOSA, JUVENILE, TULP1-RELATED. Identifiers: Orphanet 791, MedGen C1838603, MONDO:0010827, OMIM 600132.

Submissions (2):

Broad Center for Mendelian Genomics, Broad Institute of MIT and Harvard
Classification: Uncertain significance for Retinitis pigmentosa 14. Last evaluated: 2023-05-02. Review status: criteria provided, single submitter. Criteria: ACMG Guidelines, 2015. Collection method: curation. Allele origin: germline. Inheritance: Autosomal recessive inheritance.
Comment: Long-range PCR analysis revealed that this variant was in trans with a pathogenic variant (ClinVar Variation ID: 99666). The c.1113-9_1113-4del variant in TULP1 has not been previously reported in the literature in individuals with retinitis pigmentosa 14. This variant has also been reported in ClinVar and has been interpreted as likely pathogenic by the Broad Rare Disease Group (ClinVar Variation ID: 1297127). This variant was absent from large population studies. This variant is located in the 3' splice region. Computational tools predict a splicing impact, though this information is not predictive enough to determine pathogenicity. In summary, while there is some suspicion for a pathogenic role, the clinical significance of this variant is uncertain. ACMG/AMP Criteria applied: PM2_Supporting, PM3, PP3 (Richards 2015).

Broad Center for Mendelian Genomics, Broad Institute of MIT and Harvard
Classification: Likely pathogenic for Retinitis pigmentosa. Last evaluated: 2021-04-01. Review status: criteria provided, single submitter. Criteria: ACMG Guidelines, 2015. Collection method: curation. Allele origin: germline. Inheritance: Autosomal recessive inheritance. Affected: yes.
Comment: Through a review of available evidence we were able to apply the following criteria: PVS1, PM2. Based on this evidence we have classified this variant as Likely Pathogenic. If you have any questions about the classification please reach out to the Pierce Lab.

Literature cited by the submitters: PubMed 34906470.

NM_003322.6(TULP1):c.1113-9_1113delinsCATC

Gene: TULP1 (TUB like protein 1; minus strand). Cytogenetic location: 6p21.31.
Variant type: Indel.
Coding change: c.1113-9_1113delinsCATC on transcript NM_003322.6 (MANE Select); 9 bases into the intron before coding-DNA position 1113 through coding-DNA position 1113, TGCTTGCAGG replaced by CATC.
Molecular consequence: splice acceptor variant.
Genome position (GRCh38, 1-based): chr6:35,503,848-35,503,857, CCTGCAAGCA replaced by GATG on the plus strand (TGCTTGCAGG replaced by CATC on the coding strand, the reverse complement: TULP1 is on the minus strand). VCF-style: chr6-35503848-CCTGCAAGCA-GATG. GRCh37 (hg19) VCF-style: chr6-35471625-CCTGCAAGCA-GATG.
Other names: c.954-9_954delinsCATC (NM_001289395.2).
Identifiers: ClinVar variation 1297127 (VCV001297127.3), dbSNP rs2150924300, ClinGen allele CA2499218242.